The following is an entry in ClinVar:

ClinVar aggregate classification (germline): Uncertain significance. Review status: criteria provided, multiple submitters, no conflicts (2 of 4 stars). 3 submissions from 3 submitters: Uncertain significance (3). Last evaluated 2026-01-01.

Conditions:
Very long chain acyl-CoA dehydrogenase deficiency (ACADVLD). Also called: VLCAD Deficiency; Very Long-Chain Acyl-Coenzyme A Dehydrogenase Deficiency. Identifiers: Orphanet 26793, MedGen C3887523, MONDO:0008723, OMIM 201475.

Allele frequency attached by ClinVar (database versions not stated): gnomAD exomes below 0.00001.
gnomAD v4.1: 2 of 1,614,124 alleles (0.00012%); highest among the groups gnomAD compares: Non-Finnish European, 0.00017%; no homozygotes.

Submissions (3):

CeGaT Center for Human Genetics Tuebingen
Classification: Uncertain significance. Last evaluated: 2026-01-01. Review status: criteria provided, single submitter. Criteria: CeGaT Center For Human Genetics Tuebingen Variant Classification Criteria Version 2. Collection method: clinical testing. Allele origin: germline. Affected: yes. Observed: 1 variant allele.
Comment: ACADVL: PM2, PP4:Moderate

Labcorp Genetics (formerly Invitae), Labcorp
Classification: Uncertain significance for Very long chain acyl-CoA dehydrogenase deficiency. Last evaluated: 2021-10-14. Review status: criteria provided, single submitter. Criteria: Invitae Variant Classification Sherloc (09022015). Collection method: clinical testing. Allele origin: germline.
Comment: In summary, the available evidence is currently insufficient to determine the role of this variant in disease. Therefore, it has been classified as a Variant of Uncertain Significance. Algorithms developed to predict the effect of missense changes on protein structure and function are either unavailable or do not agree on the potential impact of this missense change (SIFT: "Deleterious"; PolyPhen-2: "Probably Damaging"; Align-GVGD: "Class C0"). ClinVar contains an entry for this variant (Variation ID: 197617). This variant has not been reported in the literature in individuals affected with ACADVL-related conditions. This variant is not present in population databases (ExAC no frequency). This sequence change replaces glutamine with histidine at codon 98 of the ACADVL protein (p.Gln98His). The glutamine residue is highly conserved and there is a small physicochemical difference between glutamine and histidine.

Eurofins Ntd Llc (ga)
Classification: Uncertain significance. Last evaluated: 2015-04-02. Review status: criteria provided, single submitter. Criteria: EGL Classification Definitions 2015. Collection method: clinical testing. Allele origin: germline. Observed: 1 variant allele, 1 heterozygote.

NM_000018.4(ACADVL):c.294G>C (p.Gln98His)

Gene: ACADVL (acyl-CoA dehydrogenase very long chain; plus strand). Cytogenetic location: 17p13.1.
Variant type: single nucleotide variant.
Coding change: c.294G>C on transcript NM_000018.4 (MANE Select); coding-DNA position 294, G replaced by C.
Protein change: p.Gln98His; replaces glutamine 98 with histidine.
Molecular consequence: missense variant.
Genome position (GRCh38, 1-based): chr17:7,220,782, G>C. VCF-style: chr17-7220782-G-C. GRCh37 (hg19) VCF-style: chr17-7124101-G-C.
Other names: c.228G>C, p.Gln76His (NM_001033859.3); c.363G>C, p.Gln121His (NM_001270447.2); c.66G>C, p.Gln22His (NM_001270448.2); short protein forms Q98H, Q121H, Q22H, Q76H.
Identifiers: ClinVar variation 197617 (VCV000197617.14), dbSNP rs794727695, ClinGen allele CA245879.
Genomic context (GRCh38, chr17:7,220,782, plus strand): 5'-CCCTGCCAGCCTGGCCTGACCAGCCTGTCCCCCACCCTCTGCAGTGCTCAACGAAGAGCA[G>C]ACACAGTTTCTTAAAGAGCTGGTGGAGCCTGTGTCCCGTTTCTTCGAGGTAAGGAATGAC-3'
Protein context (NP_000009.1, residues 88-108): FPYPSVLNEE[Gln98His]TQFLKELVEP